The following is an entry in ClinVar:

NM_000372.5(TYR):c.237G>A (p.Ser79=)

Gene: TYR (tyrosinase; plus strand). Cytogenetic location: 11q14.3.
Variant type: single nucleotide variant.
Coding change: c.237G>A on transcript NM_000372.5 (MANE Select); coding-DNA position 237, G replaced by A.
Protein change: p.Ser79=; no amino-acid change (serine 79 retained).
Molecular consequence: synonymous variant.
Genome position (GRCh38, 1-based): chr11:89,178,190, G>A. VCF-style: chr11-89178190-G-A. GRCh37 (hg19) VCF-style: chr11-88911358-G-A.
Other names: c.237G>A (NM_000372.4).
Identifiers: ClinVar variation 1554366 (VCV001554366.9), dbSNP rs376813190, ClinGen allele CA6221066.

ClinVar aggregate classification (germline): Likely benign. Review status: criteria provided, multiple submitters, no conflicts (2 of 4 stars). 2 submissions from 2 submitters: Likely benign (2). Last evaluated 2026-06-18.

Conditions:
TYR-related disorder. Also called: TYR-related condition.

Allele frequency attached by ClinVar (database versions not stated): ExAC 0.00002; gnomAD exomes 0.00002 and 0.00004; gnomAD 0.00007; ESP Exome Variant Server 0.00008; TOPMed 0.00011.
gnomAD v4.1: 39 of 1,613,996 alleles (0.0024%); highest among the groups gnomAD compares: African/African-American, 0.027%; no homozygotes.

Submissions (2):

PreventionGenetics, part of Exact Sciences
Classification: Likely benign for TYR-related condition. Last evaluated: 2026-06-18. Review status: criteria provided, single submitter. Criteria: ACMG Guidelines, 2015. Collection method: clinical testing. Allele origin: germline.
Comment: This variant is classified as likely benign based on ACMG/AMP sequence variant interpretation guidelines (Richards et al. 2015 PMID: 25741868, with internal and published modifications).

Labcorp Genetics (formerly Invitae), Labcorp
Classification: Likely benign. Last evaluated: 2025-10-14. Review status: criteria provided, single submitter. Criteria: Invitae Variant Classification Sherloc (09022015). Collection method: clinical testing. Allele origin: germline.